The following is an entry in ClinVar:

NM_001042492.3(NF1):c.1004A>T (p.Asn335Ile)

Gene: NF1 (neurofibromin 1; plus strand). Cytogenetic location: 17q11.2.
Variant type: single nucleotide variant.
Coding change: c.1004A>T on transcript NM_001042492.3 (MANE Select); coding-DNA position 1004, A replaced by T.
Protein change: p.Asn335Ile; replaces asparagine 335 with isoleucine.
Molecular consequence: missense variant.
Genome position (GRCh38, 1-based): chr17:31,200,537, A>T. VCF-style: chr17-31200537-A-T. GRCh37 (hg19) VCF-style: chr17-29527555-A-T.
Other names: c.1004A>T, p.Asn335Ile (NM_000267.4, NM_001128147.3); short protein forms N335I.
Identifiers: ClinVar variation 5025585 (VCV005025585.1).
Genomic context (GRCh38, chr17:31,200,537, plus strand): 5'-AGCTGACAGAAAGTGCTGCAATTGCCTGTGTCAAACTGTGTAAAGCAAGTACTTACATCA[A>T]TTGGGAAGATAACTCTGTCATTTTCCTACTTGTTCAGTCCATGGTGGTTGATCTTAAGGT-3'
Protein context (NP_001035957.1, residues 325-345): VKLCKASTYI[Asn335Ile]WEDNSVIFLL

ClinVar aggregate classification (germline): Uncertain significance (1 of 4 stars; one submission).

Conditions:
Cardiovascular phenotype. Identifiers: MedGen CN230736.
Hereditary cancer-predisposing syndrome. Also called: Neoplastic Syndromes, Hereditary; Tumor predisposition; Hereditary neoplastic syndrome; Hereditary Cancer Syndrome. Identifiers: Orphanet 140162, MedGen C0027672, MeSH D009386, MONDO:0015356.

gnomAD v4.1: 1 of 1,614,180 alleles (0.000062%); highest among the groups gnomAD compares: Non-Finnish European, 0.000085%; no homozygotes.

Submission:

Ambry Genetics
Classification: Uncertain significance for Cardiovascular phenotype; Hereditary cancer-predisposing syndrome. Last evaluated: 2026-07-23. Review status: criteria provided, single submitter. Criteria: Ambry Variant Classification Scheme 2023. Collection method: clinical testing. Allele origin: germline.
Comment: The p.N335I variant (also known as c.1004A>T), located in coding exon 9 of the NF1 gene, results from an A to T substitution at nucleotide position 1004. The asparagine at codon 335 is replaced by isoleucine, an amino acid with dissimilar properties. This amino acid position is conserved. In addition, the in silico prediction for this alteration is inconclusive. Based on the available evidence, the clinical significance of this variant remains unclear.